The following is an entry in ClinVar:

ClinVar aggregate classification (germline): Uncertain significance (1 of 4 stars; one submission).

Conditions:
Tuberous sclerosis 2 (TSC2). Identifiers: Orphanet 805, MedGen C1860707, MONDO:0013199, OMIM 613254.

Submission:

Labcorp Genetics (formerly Invitae), Labcorp
Classification: Uncertain significance for Tuberous sclerosis 2. Last evaluated: 2021-03-27. Review status: criteria provided, single submitter. Criteria: Invitae Variant Classification Sherloc (09022015). Collection method: clinical testing. Allele origin: germline.
Comment: This sequence change replaces histidine with aspartic acid at codon 600 of the TSC2 protein (p.His600Asp). The histidine residue is moderately conserved and there is a moderate physicochemical difference between histidine and aspartic acid. This variant is not present in population databases (ExAC no frequency). This variant has not been reported in the literature in individuals with TSC2-related conditions. Advanced modeling of protein sequence and biophysical properties (such as structural, functional, and spatial information, amino acid conservation, physicochemical variation, residue mobility, and thermodynamic stability) performed at Invitae indicates that this missense variant is not expected to disrupt TSC2 protein function. In summary, the available evidence is currently insufficient to determine the role of this variant in disease. Therefore, it has been classified as a Variant of Uncertain Significance.

NM_000548.5(TSC2):c.1798C>G (p.His600Asp)

Gene: TSC2 (TSC complex subunit 2; plus strand). Cytogenetic location: 16p13.3.
Variant type: single nucleotide variant.
Coding change: c.1798C>G on transcript NM_000548.5 (MANE Select); coding-DNA position 1798, C replaced by G.
Protein change: p.His600Asp; replaces histidine 600 with aspartic acid.
Molecular consequence: missense variant.
Genome position (GRCh38, 1-based): chr16:2,070,537, C>G. VCF-style: chr16-2070537-C-G. GRCh37 (hg19) VCF-style: chr16-2120538-C-G.
Other names: c.1798C>G, p.His600Asp (NM_001077183.3, NM_001114382.3, NM_001363528.2 and 3 more transcripts); c.1687C>G, p.His563Asp (NM_001318827.2); c.1651C>G, p.His551Asp (NM_001318829.2); c.1198C>G, p.His400Asp (NM_001318831.2); c.1831C>G, p.His611Asp (NM_001318832.2); short protein forms H400D, H563D, H551D, H600D, H611D.
Identifiers: ClinVar variation 1468117 (VCV001468117.8), dbSNP rs775390128, ClinGen allele CA394272941.